The following is an entry in ClinVar:

NM_001365480.1(CCDC88A):c.1118G>A (p.Arg373His)

Gene: CCDC88A (coiled-coil and HOOK domain protein 88A; minus strand). Cytogenetic location: 2p16.1.
Variant type: single nucleotide variant.
Coding change: c.1118G>A on transcript NM_001365480.1 (MANE Select); coding-DNA position 1118, G replaced by A.
Protein change: p.Arg373His; replaces arginine 373 with histidine.
Molecular consequence: missense variant.
Genome position (GRCh38, 1-based): chr2:55,344,438, C>T on the plus strand (G>A on the coding strand, the complement: CCDC88A is on the minus strand). VCF-style: chr2-55344438-C-T. GRCh37 (hg19) VCF-style: chr2-55571574-C-T.
Other names: c.1118G>A, p.Arg373His (NM_001135597.2, NM_001254943.2, NM_018084.5); short protein forms R373H.
Identifiers: ClinVar variation 1914796 (VCV001914796.5), dbSNP rs143843361, ClinGen allele CA47614308.

ClinVar aggregate classification (germline): Uncertain significance (1 of 4 stars; one submission).

Allele frequency attached by ClinVar (database versions not stated): gnomAD 0.00001; gnomAD exomes 0.00001; TOPMed 0.00002; ESP Exome Variant Server 0.00008.
gnomAD v4.1: 10 of 1,587,050 alleles (0.00063%); highest among the groups gnomAD compares: African/African-American, 0.0013%; no homozygotes.

Submission:

Labcorp Genetics (formerly Invitae), Labcorp
Classification: Uncertain significance. Last evaluated: 2024-02-24. Review status: criteria provided, single submitter. Criteria: Invitae Variant Classification Sherloc (09022015). Collection method: clinical testing. Allele origin: germline.
Comment: This sequence change replaces arginine, which is basic and polar, with histidine, which is basic and polar, at codon 373 of the CCDC88A protein (p.Arg373His). The frequency data for this variant in the population databases is considered unreliable, as metrics indicate poor data quality at this position in the gnomAD database. This variant has not been reported in the literature in individuals affected with CCDC88A-related conditions. ClinVar contains an entry for this variant (Variation ID: 1914796). An algorithm developed to predict the effect of missense changes on protein structure and function (PolyPhen-2) suggests that this variant is likely to be disruptive. In summary, the available evidence is currently insufficient to determine the role of this variant in disease. Therefore, it has been classified as a Variant of Uncertain Significance.